The following is an entry in ClinVar:

NM_133642.5(LARGE1):c.1640G>A (p.Arg547His)

Gene: LARGE1 (LARGE xylosyl- and glucuronyltransferase 1; minus strand). Cytogenetic location: 22q12.3.
Variant type: single nucleotide variant.
Coding change: c.1640G>A on transcript NM_133642.5 (MANE Select); coding-DNA position 1640, G replaced by A.
Protein change: p.Arg547His; replaces arginine 547 with histidine.
Molecular consequence: missense variant.
Genome position (GRCh38, 1-based): chr22:33,304,319, C>T on the plus strand (G>A on the coding strand, the complement: LARGE1 is on the minus strand). VCF-style: chr22-33304319-C-T. GRCh37 (hg19) VCF-style: chr22-33700305-C-T.
Other names: c.1640G>A, p.Arg547His (NM_001362949.2, NM_001362951.2, NM_001362953.2 and 6 more transcripts); c.1484G>A, p.Arg495His (NM_001378629.1); c.1037G>A, p.Arg346His (NM_001378630.1); c.881G>A, p.Arg294His (NM_001378631.1); c.1640G>A (NM_004737.5); short protein forms R346H, R495H, R294H, R547H.
Identifiers: ClinVar variation 942728 (VCV000942728.9), dbSNP rs1232298989, ClinGen allele CA411544282.

ClinVar aggregate classification (germline): Conflicting classifications of pathogenicity. Review status: criteria provided, conflicting classifications (1 of 4 stars). 2 submissions from 2 submitters: Likely pathogenic (1); Uncertain significance (1). Last evaluated 2022-07-26.

Conditions:
Muscular dystrophy-dystroglycanopathy type B6 (MDDGB6). Also called: MUSCULAR DYSTROPHY-DYSTROGLYCANOPATHY (CONGENITAL WITH IMPAIRED INTELLECTUAL DEVELOPMENT), TYPE B, 6; MUSCULAR DYSTROPHY, CONGENITAL, LARGE-RELATED; MUSCULAR DYSTROPHY, CONGENITAL, TYPE 1D. Identifiers: MedGen C1837229, MONDO:0012138, OMIM 608840.
Muscular dystrophy-dystroglycanopathy (congenital with brain and eye anomalies), type A6. Also called: WALKER-WARBURG SYNDROME OR MUSCLE-EYE-BRAIN DISEASE, LARGE-RELATED; MUSCULAR DYSTROPHY-DYSTROGLYCANOPATHY (CONGENITAL WITH BRAIN AND EYE ANOMALIES), TYPE A, 6. Identifiers: Orphanet 588, Orphanet 899, MedGen C3150414, MONDO:0013158, OMIM 613154.

Allele frequency attached by ClinVar (database versions not stated): gnomAD exomes below 0.00001.
gnomAD v4.1: 1 of 1,614,246 alleles (0.000062%); highest among the groups gnomAD compares: Admixed American, 0.0017%; no homozygotes.

Submissions (2):

Labcorp Genetics (formerly Invitae), Labcorp
Classification: Uncertain significance for Muscular dystrophy-dystroglycanopathy type B6. Last evaluated: 2022-07-26. Review status: criteria provided, single submitter. Criteria: Invitae Variant Classification Sherloc (09022015). Collection method: clinical testing. Allele origin: germline.
Comment: This sequence change replaces arginine, which is basic and polar, with histidine, which is basic and polar, at codon 547 of the LARGE1 protein (p.Arg547His). This variant is present in population databases (no rsID available, gnomAD 0.003%). This missense change has been observed in individual(s) with alpha-dystroglycanopathy (PMID: 27159402). In at least one individual the data is consistent with being in trans (on the opposite chromosome) from a pathogenic variant. ClinVar contains an entry for this variant (Variation ID: 942728). Algorithms developed to predict the effect of missense changes on protein structure and function (SIFT, PolyPhen-2, Align-GVGD) all suggest that this variant is likely to be disruptive. In summary, the available evidence is currently insufficient to determine the role of this variant in disease. Therefore, it has been classified as a Variant of Uncertain Significance.

Clinical Genetics Service, Universitary Hospital 12 de Octubre
Classification: Likely pathogenic for Muscular dystrophy-dystroglycanopathy (congenital with brain and eye anomalies), type A6. Review status: criteria provided, single submitter. Criteria: ACMG Guidelines, 2015. Collection method: clinical testing. Allele origin: germline. Affected: yes.

Literature cited by the submitters: PubMed 27159402 (cited by Labcorp Genetics (formerly Invitae), Labcorp).